The following is an entry in ClinVar:

ClinVar aggregate classification (germline): Pathogenic (1 of 4 stars; one submission).

Conditions:
Joubert syndrome. Also called: CEREBELLOPARENCHYMAL DISORDER IV; JOUBERT-BOLTSHAUSER SYNDROME; Familial aplasia of the vermis. Identifiers: Orphanet 475, MedGen C5979921, MONDO:0018772.
Nephronophthisis. Also called: Juvenile Nephronophthisis. Identifiers: Orphanet 655, MedGen C0687120, MONDO:0019005, HP:0000090.
Meckel-Gruber syndrome. Also called: DYSENCEPHALIA SPLANCHNOCYSTICA; GRUBER SYNDROME; Dysencephalia splachnocystica. Identifiers: Orphanet 564, MedGen C0265215, MONDO:0018921.

Submission:

Labcorp Genetics (formerly Invitae), Labcorp
Classification: Pathogenic for Joubert syndrome; Meckel-Gruber syndrome; Nephronophthisis. Last evaluated: 2023-01-07. Review status: criteria provided, single submitter. Criteria: Invitae Variant Classification Sherloc (09022015). Collection method: clinical testing. Allele origin: germline.
Comment: This variant is not present in population databases (gnomAD no frequency). For these reasons, this variant has been classified as Pathogenic. Algorithms developed to predict the effect of sequence changes on RNA splicing suggest that this variant may create or strengthen a splice site. This variant has not been reported in the literature in individuals affected with CEP290-related conditions. This sequence change creates a premature translational stop signal (p.Glu1485*) in the CEP290 gene. It is expected to result in an absent or disrupted protein product. Loss-of-function variants in CEP290 are known to be pathogenic (PMID: 16909394, 17345604, 20690115).

Literature cited by the submitters: PubMed 16909394; PubMed 17345604; PubMed 20690115.

NM_025114.4(CEP290):c.4453G>T (p.Glu1485Ter)

Gene: CEP290 (centrosomal protein 290; minus strand). Cytogenetic location: 12q21.32.
Variant type: single nucleotide variant.
Coding change: c.4453G>T on transcript NM_025114.4 (MANE Select); coding-DNA position 4453, G replaced by T.
Protein change: p.Glu1485Ter; replaces glutamic acid 1485 with a stop codon.
Molecular consequence: nonsense.
Genome position (GRCh38, 1-based): chr12:88,084,837, C>A on the plus strand (G>T on the coding strand, the complement: CEP290 is on the minus strand). VCF-style: chr12-88084837-C-A. GRCh37 (hg19) VCF-style: chr12-88478614-C-A.
Other names: short protein forms E1485*.
Identifiers: ClinVar variation 2942993 (VCV002942993.3), dbSNP rs2499991573, ClinGen allele CA385995666.